The following is an entry in ClinVar:

NM_001735.3(C5):c.3724A>G (p.Thr1242Ala)

Gene: C5 (complement C5; minus strand). Cytogenetic location: 9q33.2.
Variant type: single nucleotide variant.
Coding change: c.3724A>G on transcript NM_001735.3 (MANE Select); coding-DNA position 3724, A replaced by G.
Protein change: p.Thr1242Ala; replaces threonine 1242 with alanine.
Molecular consequence: missense variant.
Genome position (GRCh38, 1-based): chr9:120,976,840, T>C on the plus strand (A>G on the coding strand, the complement: C5 is on the minus strand). VCF-style: chr9-120976840-T-C. GRCh37 (hg19) VCF-style: chr9-123739118-T-C.
Other names: c.3724A>G (NM_001735.2); c.3742A>G, p.Thr1248Ala (NM_001317163.2); short protein forms T1242A, T1248A.
Identifiers: ClinVar variation 1393405 (VCV001393405.9), dbSNP rs767192159, ClinGen allele CA5217399.

ClinVar aggregate classification (germline): Uncertain significance. Review status: criteria provided, multiple submitters, no conflicts (2 of 4 stars). 2 submissions from 2 submitters: Uncertain significance (2). Last evaluated 2025-09-28.

Allele frequency attached by ClinVar (database versions not stated): TOPMed below 0.00001; ExAC 0.00002; gnomAD exomes 0.00002.
gnomAD v4.1: 17 of 1,614,052 alleles (0.0011%); highest among the groups gnomAD compares: Admixed American, 0.0017%; no homozygotes.

Submissions (2):

Ambry Genetics
Classification: Uncertain significance. Last evaluated: 2025-09-28. Review status: criteria provided, single submitter. Criteria: Ambry Variant Classification Scheme 2023. Collection method: clinical testing. Allele origin: germline.

Labcorp Genetics (formerly Invitae), Labcorp
Classification: Uncertain significance. Last evaluated: 2021-06-06. Review status: criteria provided, single submitter. Criteria: Invitae Variant Classification Sherloc (09022015). Collection method: clinical testing. Allele origin: germline.
Comment: This sequence change replaces threonine with alanine at codon 1242 of the C5 protein (p.Thr1242Ala). The threonine residue is weakly conserved and there is a small physicochemical difference between threonine and alanine. This variant is present in population databases (rs767192159, ExAC 0.006%). This variant has not been reported in the literature in individuals with C5-related conditions. Algorithms developed to predict the effect of missense changes on protein structure and function output the following: SIFT: "Tolerated"; PolyPhen-2: "Benign"; Align-GVGD: "Class C0". The alanine amino acid residue is found in multiple mammalian species, suggesting that this missense change does not adversely affect protein function. These predictions have not been confirmed by published functional studies and their clinical significance is uncertain. In summary, the available evidence is currently insufficient to determine the role of this variant in disease. Therefore, it has been classified as a Variant of Uncertain Significance.